The following is an entry in ClinVar:

NM_001164508.2(NEB):c.23770G>A (p.Gly7924Ser)

Genes: NEB (nebulin; minus strand), RIF1 (replication timing regulatory factor 1; plus strand). Cytogenetic location: 2q23.3.
Variant type: single nucleotide variant.
Coding change: c.23770G>A on transcript NM_001164508.2 (MANE Select); coding-DNA position 23770, G replaced by A.
Protein change: p.Gly7924Ser; replaces glycine 7924 with serine.
Molecular consequence: missense variant.
Genome position (GRCh38, 1-based): chr2:151,503,414, C>T on the plus strand (G>A on the coding strand, the complement: NEB is on the minus strand). VCF-style: chr2-151503414-C-T. GRCh37 (hg19) VCF-style: chr2-152359928-C-T.
Other names: c.23770G>A, p.Gly7924Ser (NM_001164507.2); c.23875G>A, p.Gly7959Ser (NM_001271208.2); c.18667G>A, p.Gly6223Ser (NM_004543.5); c.18667G>A (NM_004543.4); short protein forms G7959S, G6223S, G7924S.
Identifiers: ClinVar variation 465572 (VCV000465572.12), dbSNP rs369602540, ClinGen allele CA1906247.

ClinVar aggregate classification (germline): Conflicting classifications of pathogenicity. Review status: criteria provided, conflicting classifications (1 of 4 stars). 4 submissions from 4 submitters: Uncertain significance (2); Likely benign (1). 1 of the submissions does not count toward it. Last evaluated 2026-09-22.

Conditions:
Nemaline myopathy 2 (NEM2). Also called: Nemaline myopathy 2, autosomal recessive. Identifiers: MedGen C1850569, MONDO:0009725, OMIM 256030.
Inborn genetic diseases. Identifiers: MedGen C0950123, MeSH D030342.

Allele frequency attached by ClinVar (database versions not stated): gnomAD exomes 0.00001 and below 0.00001; gnomAD 0.00008 and 0.00009; TOPMed 0.00013; ESP Exome Variant Server 0.00017; ExAC 0.00001.
gnomAD v4.1: 16 of 1,612,290 alleles (0.00099%); highest among the groups gnomAD compares: African/African-American, 0.02%; no homozygotes.

Submissions (4):

GeneDx
Classification: Uncertain significance. Last evaluated: 2026-09-22. Review status: criteria provided, single submitter. Criteria: GeneDx Variant Classification Process June 2021. Collection method: clinical testing. Allele origin: germline.
Comment: In silico analysis supports that this missense variant has a deleterious effect on protein structure/function; Has not been previously published as pathogenic or benign to our knowledge

Labcorp Genetics (formerly Invitae), Labcorp
Classification: Likely benign for Nemaline myopathy 2. Last evaluated: 2026-01-26. Review status: criteria provided, single submitter. Criteria: Invitae Variant Classification Sherloc (09022015). Collection method: clinical testing. Allele origin: germline.

Ambry Genetics
Classification: Uncertain significance for Inborn genetic diseases. Last evaluated: 2026-01-14. Review status: criteria provided, single submitter. Criteria: Ambry Variant Classification Scheme 2023. Collection method: clinical testing. Allele origin: germline.
Comment: The c.18667G>A (p.G6223S) alteration is located in exon 139 (coding exon 137) of the NEB gene. This alteration results from a G to A substitution at nucleotide position 18667, causing the glycine (G) at amino acid position 6223 to be replaced by a serine (S). Based on data from gnomAD, the A allele has an overall frequency of 0.002% (5/280360) total alleles studied. The highest observed frequency was 0.021% (5/24194) of African alleles. Based on insufficient or conflicting evidence, the clinical significance of this alteration remains unclear.

Natera, Inc.
Classification: Uncertain significance for Nemaline myopathy type 2. Last evaluated: 2019-11-11. Review status: no assertion criteria provided. Collection method: clinical testing. Allele origin: germline. Not counted in ClinVar's aggregate classification.